The following is an entry in ClinVar:

ClinVar aggregate classification (germline): Conflicting classifications of pathogenicity. Review status: criteria provided, conflicting classifications (1 of 4 stars). 3 submissions from 3 submitters: Likely pathogenic (1); Uncertain significance (1). 1 of the submissions does not count toward it. Last evaluated 2025-10-17.

Conditions:
Refsum disease, classic. Also called: PHYH-Related Refsum Disease; PHYTANIC ACID OXIDASE DEFICIENCY; HEREDOPATHIA ATACTICA POLYNEURITIFORMIS; HMSN IV. Identifiers: Orphanet 773, MedGen C5780941, MONDO:1060256, OMIM 266500. Disease mechanism: loss of function.
Peroxisome biogenesis disorder. Identifiers: Orphanet 79189, MedGen C1832200, MONDO:0019234. Disease mechanism: loss of function.
Peroxisome biogenesis disorder 9B. Also called: PEX7-Related Refsum Disease; Refsum disease, adult, 2; PEROXISOME BIOGENESIS DISORDER, PEX7-RELATED, ATYPICAL. Identifiers: Orphanet 773, MedGen C2749346, MONDO:0013945, OMIM 614879.

Allele frequency attached by ClinVar (database versions not stated): gnomAD exomes 0.00002.
gnomAD v4.1: 23 of 1,506,308 alleles (0.0015%); highest among the groups gnomAD compares: Non-Finnish European, 0.002%; no homozygotes.

Submissions (3):

Myriad Genetics, Inc.
Classification: Uncertain significance for Peroxisome biogenesis disorder. Last evaluated: 2025-10-17. Review status: criteria provided, single submitter. Criteria: Myriad Autosomal Dominant, Autosomal Recessive and X-Linked Classification Criteria (2023). Collection method: clinical testing. Allele origin: unknown.
Comment: NM_000288.3(PEX7):c.-45C>T is a 5' regulatory variant classified as a variant of uncertain significance in the context of PEX7-related disorders. c.-45C>T has been observed in cases with relevant disease (PMID: 12325024, 33337545). Relevant functional assessments of this variant are not available in the literature. c.-45C>T has been observed in referenced population frequency databases. In summary, there is insufficient evidence to classify NM_000288.3(PEX7):c.-45C>T as pathogenic or benign. Please note: this variant was assessed in the context of healthy population screening.

Baylor Genetics
Classification: Likely pathogenic for Peroxisome biogenesis disorder 9B. Last evaluated: 2024-01-24. Review status: criteria provided, single submitter. Criteria: ACMG Guidelines, 2015. Collection method: clinical testing. Allele origin: unknown.

GeneReviews
No classification provided. Condition: Refsum disease, classic. Review status: no classification provided. Collection method: literature only. Allele origin: unknown. Not counted in ClinVar's aggregate classification.

Literature cited by the submitters: PubMed 12325024 (cited by Myriad Genetics, Inc.); PubMed 33337545 (cited by Myriad Genetics, Inc.); PubMed 20301447 (cited by GeneReviews); NCBI Bookshelf NBK1270 (cited by GeneReviews).

NM_000288.4(PEX7):c.-45C>T

Gene: PEX7 (peroxisomal biogenesis factor 7; plus strand). Cytogenetic location: 6q23.3.
Variant type: single nucleotide variant.
Coding change: c.-45C>T on transcript NM_000288.4 (MANE Select); 45 bases upstream of the start codon, C replaced by T.
Molecular consequence: 5 prime UTR variant.
Genome position (GRCh38, 1-based): chr6:136,822,621, C>T. VCF-style: chr6-136822621-C-T. GRCh37 (hg19) VCF-style: chr6-137143759-C-T.
Identifiers: ClinVar variation 38871 (VCV000038871.5), dbSNP rs267608252, ClinGen allele CA343127.